The following is an entry in ClinVar:

NM_000601.6(HGF):c.471A>G (p.Pro157=)

Gene: HGF (hepatocyte growth factor; minus strand). Cytogenetic location: 7q21.11.
Variant type: single nucleotide variant.
Coding change: c.471A>G on transcript NM_000601.6 (MANE Select); coding-DNA position 471, A replaced by G.
Protein change: p.Pro157=; no amino-acid change (proline 157 retained).
Molecular consequence: synonymous variant.
Genome position (GRCh38, 1-based): chr7:81,757,200, T>C on the plus strand (A>G on the coding strand, the complement: HGF is on the minus strand). VCF-style: chr7-81757200-T-C. GRCh37 (hg19) VCF-style: chr7-81386516-T-C.
Other names: c.471A>G, p.Pro157= (NM_001010931.3, NM_001010932.3, NM_001010933.3 and 1 more transcripts).
Identifiers: ClinVar variation 227427 (VCV000227427.11), dbSNP rs142045938, ClinGen allele CA4317205.

ClinVar aggregate classification (germline): Likely benign. Review status: criteria provided, multiple submitters, no conflicts (2 of 4 stars). 3 submissions from 3 submitters: Likely benign (3). Last evaluated 2025-11-18.

Allele frequency attached by ClinVar (database versions not stated): ExAC 0.00006; gnomAD exomes 0.00008 and 0.00014; TOPMed 0.00009; gnomAD 0.00014 and 0.00015; ESP Exome Variant Server 0.00015.
gnomAD v4.1: 221 of 1,542,856 alleles (0.014%); highest among the groups gnomAD compares: Middle Eastern, 0.034%; no homozygotes.

Submissions (3):

Labcorp Genetics (formerly Invitae), Labcorp
Classification: Likely benign. Last evaluated: 2025-11-18. Review status: criteria provided, single submitter. Criteria: Invitae Variant Classification Sherloc (09022015). Collection method: clinical testing. Allele origin: germline.

GeneDx
Classification: Likely benign. Last evaluated: 2019-07-02. Review status: criteria provided, single submitter. Criteria: GeneDx Variant Classification Process June 2021. Collection method: clinical testing. Allele origin: germline. Affected: yes.

Laboratory for Molecular Medicine, Mass General Brigham Personalized Medicine
Classification: Likely benign. Last evaluated: 2012-04-30. Review status: criteria provided, single submitter. Criteria: LMM Criteria. Collection method: clinical testing. Allele origin: germline. Observed: 1 variant allele.
Comment: Pro157Pro in Exon 04 of HGF: This variant is not expected to have clinical signi ficance because it does not alter an amino acid residue, is not located within t he splice consensus sequence, and has been identified in 2/7020 European America n chromosomes from a broad population by the NHLBI Exome Sequencing Project (dbSNP rs142045938).